The following is an entry in ClinVar:

NM_147191.1(MMP21):c.593T>C (p.Val198Ala)

Gene: MMP21 (matrix metallopeptidase 21; minus strand). Cytogenetic location: 10q26.2.
Variant type: single nucleotide variant.
Coding change: c.593T>C on transcript NM_147191.1 (MANE Select); coding-DNA position 593, T replaced by C.
Protein change: p.Val198Ala; replaces valine 198 with alanine.
Molecular consequence: missense variant.
Genome position (GRCh38, 1-based): chr10:125,773,935, A>G on the plus strand (T>C on the coding strand, the complement: MMP21 is on the minus strand). VCF-style: chr10-125773935-A-G. GRCh37 (hg19) VCF-style: chr10-127462504-A-G.
Other names: short protein forms V198A.
Identifiers: ClinVar variation 3905226 (VCV003905226.10).

ClinVar aggregate classification (germline): Uncertain significance (1 of 4 stars; one submission).

gnomAD v4.1: 14 of 1,586,002 alleles (0.00088%); highest among the groups gnomAD compares: Middle Eastern, 0.033%; no homozygotes.

Submission:

CeGaT Center for Human Genetics Tuebingen
Classification: Uncertain significance. Last evaluated: 2025-05-01. Review status: criteria provided, single submitter. Criteria: CeGaT Center For Human Genetics Tuebingen Variant Classification Criteria Version 2. Collection method: clinical testing. Allele origin: germline. Affected: yes. Observed: 1 variant allele.
Comment: MMP21: PM2